The following is an entry in ClinVar:

NM_001031725.6(DDX59):c.621T>C (p.His207=)

Gene: DDX59 (DEAD-box helicase 59; minus strand). Cytogenetic location: 1q32.1.
Variant type: single nucleotide variant.
Coding change: c.621T>C on transcript NM_001031725.6 (MANE Select); coding-DNA position 621, T replaced by C.
Protein change: p.His207=; no amino-acid change (histidine 207 retained).
Molecular consequence: synonymous variant.
Genome position (GRCh38, 1-based): chr1:200,666,120, A>G on the plus strand (T>C on the coding strand, the complement: DDX59 is on the minus strand). VCF-style: chr1-200666120-A-G. GRCh37 (hg19) VCF-style: chr1-200635248-A-G.
Other names: c.621T>C (NM_001031725.5); c.621T>C, p.His207= (NM_001320181.2, NM_001320182.1, NM_001349799.3 and 5 more transcripts).
Identifiers: ClinVar variation 2692843 (VCV002692843.5), dbSNP rs932070473, ClinGen allele CA35968013.
Genomic context (GRCh38, chr1:200,666,120, plus strand): 5'-AGTTGGCACCTCATAGCCTGATTTCTTCAAGTTGTGATTTAAGACCTCAGGGAGACTACA[A>G]TGTTCAAAGTCAATAATGGGCCTGGTGACTTCTTGCCCTTGAACTAAAATTCCCAGCTGC-3'
Protein context (NP_001026895.2, residues 197-217): EVTRPIIDFE[His207=]CSLPEVLNHN

ClinVar aggregate classification (germline): Likely benign. Review status: criteria provided, single submitter (1 of 4 stars). 2 submissions from 2 submitters: Likely benign (1). 1 of the submissions does not count toward it. Last evaluated 2025-04-15.

Conditions:
DDX59-related disorder. Also called: DDX59-related condition.

Allele frequency attached by ClinVar (database versions not stated): gnomAD 0.00003; TOPMed 0.00006.
gnomAD v4.1: 33 of 1,614,090 alleles (0.002%); highest among the groups gnomAD compares: Admixed American, 0.0033%; no homozygotes.

Submissions (2):

Labcorp Genetics (formerly Invitae), Labcorp
Classification: Likely benign. Last evaluated: 2025-04-15. Review status: criteria provided, single submitter. Criteria: Invitae Variant Classification Sherloc (09022015). Collection method: clinical testing. Allele origin: germline.

PreventionGenetics, part of Exact Sciences
Classification: Likely benign for DDX59-related condition. Last evaluated: 2019-03-27. Review status: no assertion criteria provided. Collection method: clinical testing. Allele origin: germline. Not counted in ClinVar's aggregate classification.
Comment: This variant is classified as likely benign based on ACMG/AMP sequence variant interpretation guidelines (Richards et al. 2015 PMID: 25741868, with internal and published modifications).